The following is an entry in ClinVar:

ClinVar aggregate classification (germline): Likely benign (1 of 4 stars; one submission).

Submission:

CeGaT Center for Human Genetics Tuebingen
Classification: Likely benign. Last evaluated: 2023-04-01. Review status: criteria provided, single submitter. Criteria: CeGaT Center For Human Genetics Tuebingen Variant Classification Criteria Version 2. Collection method: clinical testing. Allele origin: germline. Affected: yes. Observed: 1 variant allele.
Comment: GP1BB: BP4, BP7

NM_000407.5(GP1BB):c.573G>A (p.Ser191=)

Genes: GP1BB (glycoprotein Ib platelet subunit beta; plus strand), SEPT5-GP1BB (SEPT5-GP1BB readthrough; plus strand). Cytogenetic location: 22q11.21.
Variant type: single nucleotide variant.
Coding change: c.573G>A on transcript NM_000407.5 (MANE Select); coding-DNA position 573, G replaced by A.
Protein change: p.Ser191=; no amino-acid change (serine 191 retained).
Molecular consequence: synonymous variant. On other transcripts: non-coding transcript variant (2).
Genome position (GRCh38, 1-based): chr22:19,724,416, G>A. VCF-style: chr22-19724416-G-A. GRCh37 (hg19) VCF-style: chr22-19711939-G-A.
Identifiers: ClinVar variation 2652865 (VCV002652865.23), dbSNP rs1438191773, ClinGen allele CA513368976.